The following is an entry in ClinVar:

NM_001367721.1(CASK):c.1006A>G (p.Thr336Ala)

Gene: CASK (calcium/calmodulin dependent serine protein kinase; minus strand). Cytogenetic location: Xp11.4.
Variant type: single nucleotide variant.
Coding change: c.1006A>G on transcript NM_001367721.1 (MANE Select); coding-DNA position 1006, A replaced by G.
Protein change: p.Thr336Ala; replaces threonine 336 with alanine.
Molecular consequence: missense variant.
Genome position (GRCh38, 1-based): chrX:41,626,613, T>C on the plus strand (A>G on the coding strand, the complement: CASK is on the minus strand). VCF-style: chrX-41626613-T-C. GRCh37 (hg19) VCF-style: chrX-41485866-T-C.
Other names: c.1006A>G, p.Thr336Ala (NM_001126054.3, NM_001126055.3, NM_001410745.1 and 1 more transcripts); short protein forms T336A.
Identifiers: ClinVar variation 2108408 (VCV002108408.6), dbSNP rs2519037560, ClinGen allele CA412993865.

ClinVar aggregate classification (germline): Uncertain significance. Review status: criteria provided, multiple submitters, no conflicts (2 of 4 stars). 2 submissions from 2 submitters: Uncertain significance (2). Last evaluated 2025-10-10.

Conditions:
Intellectual disability, CASK-related, X-linked. Identifiers: MedGen CN043158.

Submissions (2):

GeneDx
Classification: Uncertain significance. Last evaluated: 2025-10-10. Review status: criteria provided, single submitter. Criteria: GeneDx Variant Classification Process June 2021. Collection method: clinical testing. Allele origin: germline. Affected: yes.
Comment: Not observed at significant frequency in large population cohorts (gnomAD); In silico analysis suggests that this missense variant does not alter protein structure/function; Has not been previously published as pathogenic or benign to our knowledge

Labcorp Genetics (formerly Invitae), Labcorp
Classification: Uncertain significance for Intellectual disability, CASK-related, X-linked. Last evaluated: 2024-06-29. Review status: criteria provided, single submitter. Criteria: Invitae Variant Classification Sherloc (09022015). Collection method: clinical testing. Allele origin: germline.
Comment: This sequence change replaces threonine, which is neutral and polar, with alanine, which is neutral and non-polar, at codon 336 of the CASK protein (p.Thr336Ala). This variant is not present in population databases (gnomAD no frequency). This variant has not been reported in the literature in individuals affected with CASK-related conditions. ClinVar contains an entry for this variant (Variation ID: 2108408). Advanced modeling of protein sequence and biophysical properties (such as structural, functional, and spatial information, amino acid conservation, physicochemical variation, residue mobility, and thermodynamic stability) has been performed at Invitae for this missense variant, however the output from this modeling did not meet the statistical confidence thresholds required to predict the impact of this variant on CASK protein function. In summary, the available evidence is currently insufficient to determine the role of this variant in disease. Therefore, it has been classified as a Variant of Uncertain Significance.